The following is an entry in ClinVar:

ClinVar aggregate classification (germline): Likely benign. Review status: criteria provided, multiple submitters, no conflicts (2 of 4 stars). 2 submissions from 2 submitters: Likely benign (2). Last evaluated 2025-06-06.

Conditions:
NDRG1-related disorder. Also called: NDRG1-related condition.
Charcot-Marie-Tooth disease type 4. Also called: Charcot-Marie-Tooth, Type 4; Charcot-Marie-Tooth disease, type IV. Identifiers: Orphanet 64749, MedGen C4082197, MONDO:0018995.

Allele frequency attached by ClinVar (database versions not stated): gnomAD exomes below 0.00001 and 0.00002; TOPMed 0.00005; ExAC 0.00006; gnomAD 0.00008; 1000 Genomes Project 0.00040.

Submissions (2):

PreventionGenetics, part of Exact Sciences
Classification: Likely benign for NDRG1-related condition. Last evaluated: 2025-06-06. Review status: criteria provided, single submitter. Criteria: ACMG Guidelines, 2015. Collection method: clinical testing. Allele origin: germline.
Comment: This variant is classified as likely benign based on ACMG/AMP sequence variant interpretation guidelines (Richards et al. 2015 PMID: 25741868, with internal and published modifications).

Labcorp Genetics (formerly Invitae), Labcorp
Classification: Likely benign for Charcot-Marie-Tooth disease type 4. Last evaluated: 2023-10-30. Review status: criteria provided, single submitter. Criteria: Invitae Variant Classification Sherloc (09022015). Collection method: clinical testing. Allele origin: germline.

NM_006096.4(NDRG1):c.1059C>T (p.Arg353=)

Gene: NDRG1 (N-myc downstream regulated 1; minus strand). Cytogenetic location: 8q24.22.
Variant type: single nucleotide variant.
Coding change: c.1059C>T on transcript NM_006096.4 (MANE Select); coding-DNA position 1059, C replaced by T.
Protein change: p.Arg353=; no amino-acid change (arginine 353 retained).
Molecular consequence: synonymous variant.
Genome position (GRCh38, 1-based): chr8:133,239,004, G>A on the plus strand (C>T on the coding strand, the complement: NDRG1 is on the minus strand). VCF-style: chr8-133239004-G-A. GRCh37 (hg19) VCF-style: chr8-134251247-G-A.
Other names: c.1059C>T (NM_006096.3); c.1059C>T, p.Arg353= (NM_001135242.2, NM_001374845.1, NM_001374846.1); c.861C>T, p.Arg287= (NM_001258432.2, NM_001374847.1); c.816C>T, p.Arg272= (NM_001258433.2); c.1110C>T, p.Arg370= (NM_001374844.1).
Identifiers: ClinVar variation 1112774 (VCV001112774.10), dbSNP rs527561085, ClinGen allele CA4886434.
Genomic context (GRCh38, chr8:133,239,004, plus strand): 5'-GTCCAGGTGGGCCCCCTCGCTGGTGTGCGAGCGGCTGCGGGTGCCCTCGCTGGTGTGGGA[G>A]CGGCTTCGGGTGCCCTCGCTGGTGTGGGAGCGGCTGCGGGTGCCATCCAGAGAAGTGACG-3'
Protein context (NP_006087.2, residues 343-363): RSHTSEGTRS[Arg353=]SHTSEGTRSR